The following is an entry in ClinVar:

ClinVar aggregate classification (germline): Likely benign (0 of 4 stars; one submission).

Conditions:
DDX53-related disorder. Also called: DDX53-related condition.

Allele frequency attached by ClinVar (database versions not stated): TOPMed 0.00002; gnomAD 0.00006; gnomAD exomes 0.00011; ExAC 0.00021; 1000 Genomes Project 0.00053; 1000 Genomes Project 30x 0.00062.

Submission:

PreventionGenetics, part of Exact Sciences
Classification: Likely benign for DDX53-related condition. Last evaluated: 2019-08-06. Review status: no assertion criteria provided. Collection method: clinical testing. Allele origin: germline.
Comment: This variant is classified as likely benign based on ACMG/AMP sequence variant interpretation guidelines (Richards et al. 2015 PMID: 25741868, with internal and published modifications).

NM_182699.4(DDX53):c.1044C>T (p.Ile348=)

Genes: DDX53 (DEAD-box helicase 53; plus strand), PTCHD1-AS (PTCHD1 antisense RNA (head to head); minus strand). Cytogenetic location: Xp22.11.
Variant type: single nucleotide variant.
Coding change: c.1044C>T on transcript NM_182699.4 (MANE Select); coding-DNA position 1044, C replaced by T.
Protein change: p.Ile348=; no amino-acid change (isoleucine 348 retained).
Molecular consequence: synonymous variant.
Genome position (GRCh38, 1-based): chrX:23,001,101, C>T. VCF-style: chrX-23001101-C-T. GRCh37 (hg19) VCF-style: chrX-23019218-C-T.
Identifiers: ClinVar variation 3035162 (VCV003035162.2), dbSNP rs529875384, ClinGen allele CA10368819.